The following is an entry in ClinVar:

NM_000548.5(TSC2):c.4005G>A (p.Arg1335=)

Gene: TSC2 (TSC complex subunit 2; plus strand). Cytogenetic location: 16p13.3.
Variant type: single nucleotide variant.
Coding change: c.4005G>A on transcript NM_000548.5 (MANE Select); coding-DNA position 4005, G replaced by A.
Protein change: p.Arg1335=; no amino-acid change (arginine 1335 retained).
Molecular consequence: synonymous variant. On other transcripts: non-coding transcript variant (5).
Genome position (GRCh38, 1-based): chr16:2,083,816, G>A. VCF-style: chr16-2083816-G-A. GRCh37 (hg19) VCF-style: chr16-2133817-G-A.
Other names: c.3804G>A, p.Arg1268= (NM_001077183.3); c.3936G>A, p.Arg1312= (NM_001114382.3); c.3696G>A, p.Arg1232= (NM_001318827.2); c.3660G>A, p.Arg1220= (NM_001318829.2); c.3273G>A, p.Arg1091= (NM_001318831.2); c.3837G>A, p.Arg1279= (NM_001318832.2); c.3807G>A, p.Arg1269= (NM_001363528.2); c.3873G>A, p.Arg1291= (NM_001370404.1); and 26 more.
Identifiers: ClinVar variation 2762085 (VCV002762085.3), dbSNP rs2090436302, ClinGen allele CA492956940.
Genomic context (GRCh38, chr16:2,083,816, plus strand): 5'-AGGGTTGGAGGACGTTGAGGCAGCGCTAGGCATGGACAGGCGCACGGATGCCTACAGCAG[G>A]GTGAGTGTGGCTCAGAGCCTGGACCCTGCTGACCTCGGGGGGCTCCTTAGGGGAGGCAGG-3'
Protein context (NP_000539.2, residues 1325-1345): GMDRRTDAYS[Arg1335=]SSSVSSQEEK

ClinVar aggregate classification (germline): Uncertain significance (1 of 4 stars; one submission).

Conditions:
Tuberous sclerosis 2 (TSC2). Identifiers: Orphanet 805, MedGen C1860707, MONDO:0013199, OMIM 613254.

gnomAD v4.1: 3 of 1,610,724 alleles (0.00019%); highest among the groups gnomAD compares: East Asian, 0.0067%; no homozygotes.

Submission:

Labcorp Genetics (formerly Invitae), Labcorp
Classification: Uncertain significance for Tuberous sclerosis 2. Last evaluated: 2023-10-11. Review status: criteria provided, single submitter. Criteria: Invitae Variant Classification Sherloc (09022015). Collection method: clinical testing. Allele origin: germline.
Comment: This sequence change affects codon 1335 of the TSC2 mRNA. It is a 'silent' change, meaning that it does not change the encoded amino acid sequence of the TSC2 protein. This variant also falls at the last nucleotide of exon 33, which is part of the consensus splice site for this exon. This variant is not present in population databases (gnomAD no frequency). This variant has not been reported in the literature in individuals affected with TSC2-related conditions. Variants that disrupt the consensus splice site are a relatively common cause of aberrant splicing (PMID: 17576681, 9536098). Algorithms developed to predict the effect of sequence changes on RNA splicing suggest that this variant is not likely to affect RNA splicing. In summary, the available evidence is currently insufficient to determine the role of this variant in disease. Therefore, it has been classified as a Variant of Uncertain Significance.

Literature cited by the submitters: PubMed 17576681; PubMed 9536098.